The following is an entry in ClinVar:

ClinVar aggregate classification (germline): Uncertain significance (1 of 4 stars; one submission).

Conditions:
Inborn genetic diseases. Identifiers: MedGen C0950123, MeSH D030342.

Submission:

Ambry Genetics
Classification: Uncertain significance for Inborn genetic diseases. Last evaluated: 2026-06-29. Review status: criteria provided, single submitter. Criteria: Ambry Variant Classification Scheme 2023. Collection method: clinical testing. Allele origin: germline.
Comment: The c.2303-2delA variant consists of a deletion of 1 nucleotide at position c.2303-2 and involves the canonical splice acceptor site before exon 19 (coding exon 19) of the NAA15 gene. Variants that disrupt the canonical splice site are expected to result in aberrant splicing. A resulting transcript is predicted to be in-frame and is not expected to trigger nonsense-mediated mRNA decay, although direct evidence is unavailable. This variant was not reported in population-based cohorts in the Genome Aggregation Database (gnomAD). This nucleotide position is highly conserved in available vertebrate species. In silico splice site analysis predicts that this alteration will weaken the native splice acceptor site and may result in the creation or strengthening of a novel splice acceptor site. Based on insufficient or conflicting evidence, the clinical significance of this alteration remains unclear.

NM_057175.5(NAA15):c.2303-2del

Gene: NAA15 (N-alpha-acetyltransferase 15, NatA auxiliary subunit; plus strand). Cytogenetic location: 4q31.1.
Variant type: Deletion.
Coding change: c.2303-2del on transcript NM_057175.5 (MANE Select); the canonical splice acceptor site of the intron before coding-DNA position 2303, one base deleted (A; older notation c.2303-2delA).
Molecular consequence: splice acceptor variant.
Genome position (GRCh38, 1-based): chr4:139,386,131, A deleted. VCF-style (leftmost placement, unchanged base first): chr4-139386130-TA-T. GRCh37 (hg19) VCF-style: chr4-140307284-TA-T.
Other names: c.2300-2del (NM_001410842.1).
Identifiers: ClinVar variation 5025328 (VCV005025328.1).